The following is an entry in ClinVar:

NC_000006.12:g.(?_129516170)_(129516367_?)del

Gene: LAMA2 (laminin subunit alpha 2; plus strand). Cytogenetic location: 6q22.33.
Variant type: Deletion.
Identifiers: ClinVar variation 543885 (VCV000543885.2).

ClinVar aggregate classification (germline): Pathogenic (1 of 4 stars; one submission).

Conditions:
LAMA2-related muscular dystrophy (LAMA2-RD). Also called: Laminin alpha 2-related dystrophy. Identifiers: MedGen C5679788, MONDO:0100228.

Submission:

Labcorp Genetics (formerly Invitae), Labcorp
Classification: Pathogenic for Laminin alpha 2-related dystrophy. Last evaluated: 2018-11-07. Review status: criteria provided, single submitter. Criteria: Invitae Variant Classification Sherloc (09022015). Collection method: clinical testing. Allele origin: germline.
Comment: This variant is a gross deletion of the genomic region encompassing exon 65 of the LAMA2 gene. The 5' boundary is likely confined to intron 64. The 3' end of this event is unknown as it extends through the termination codon beyond the assayed region for this gene and may encompass additional genes. While this deletion is not anticipated to result in nonsense mediated decay, it is expected to create a truncated protein product or disrupt mRNA translation. This finding is consistent with autosomal recessive inheritance, and suggests that this variant contributes to disease. Truncations in exon 65 have been determined to be pathogenic (Invitae; PMID: 11591858, 20207543). This suggests that the amino acid residues in this region are critical for LAMA2 protein function and that other deletions or truncations in this exon may also be pathogenic. For these reasons, this variant has been classified as Pathogenic.

Literature cited by the submitters: PubMed 11591858; PubMed 20207543.